The following is an entry in ClinVar:

ClinVar aggregate classification (germline): Uncertain significance (1 of 4 stars; one submission).

Conditions:
Inborn genetic diseases. Identifiers: MedGen C0950123, MeSH D030342.

gnomAD v4.1: 2 of 1,612,868 alleles (0.00012%); highest among the groups gnomAD compares: Non-Finnish European, 0.00017%; no homozygotes.

Submission:

Ambry Genetics
Classification: Uncertain significance for Inborn genetic diseases. Last evaluated: 2026-09-10. Review status: criteria provided, single submitter. Criteria: Ambry Variant Classification Scheme 2023. Collection method: clinical testing. Allele origin: germline.
Comment: The c.1766G>T (p.G589V) alteration is located in exon 11 (coding exon 11) of the AUTS2 gene. This alteration results from a G to T substitution at nucleotide position 1766, causing the glycine (G) at amino acid position 589 to be replaced by a valine (V). Based on data from gnomAD, the T allele has an overall frequency of <0.001% (1/251356) total alleles studied. The highest observed frequency was 0.001% (1/113732) of European (non-Finnish) alleles. Based on insufficient or conflicting evidence, the clinical significance of this alteration remains unclear.

NM_015570.4(AUTS2):c.1766G>T (p.Gly589Val)

Gene: AUTS2 (activator of transcription and developmental regulator AUTS2; plus strand). Cytogenetic location: 7q11.22.
Variant type: single nucleotide variant.
Coding change: c.1766G>T on transcript NM_015570.4 (MANE Select); coding-DNA position 1766, G replaced by T.
Protein change: p.Gly589Val; replaces glycine 589 with valine.
Molecular consequence: missense variant.
Genome position (GRCh38, 1-based): chr7:70,771,580, G>T. VCF-style: chr7-70771580-G-T. GRCh37 (hg19) VCF-style: chr7-70236566-G-T.
Other names: c.1766G>T, p.Gly589Val (NM_001127231.3); short protein forms G589V.
Identifiers: ClinVar variation 5032498 (VCV005032498.1).